The following is an entry in ClinVar:

ClinVar aggregate classification (germline): Uncertain significance (1 of 4 stars; one submission).

Conditions:
Myofibrillar myopathy 4. Also called: Zaspopathy (type). Identifiers: Orphanet 98912, MedGen C4721886, MONDO:0012277, OMIM 609452.

Submission:

Labcorp Genetics (formerly Invitae), Labcorp
Classification: Uncertain significance for Myofibrillar myopathy 4. Last evaluated: 2025-06-12. Review status: criteria provided, single submitter. Criteria: Invitae Variant Classification Sherloc (09022015). Collection method: clinical testing. Allele origin: germline.
Comment: The LDB3 gene has multiple clinically relevant transcripts. This variant occurs in alternate transcript NM_007078.3, and corresponds to NM_001080116.1:c.*17062C>G in the primary transcript. This sequence change affects codon 447 of the LDB3 mRNA. It is a 'silent' change, meaning that it does not change the encoded amino acid sequence of the LDB3 protein. This variant is not present in population databases (gnomAD no frequency). This variant has not been reported in the literature in individuals affected with LDB3-related conditions. Experimental studies and prediction algorithms are not available or were not evaluated, and the functional significance of this variant is currently unknown. In summary, the available evidence is currently insufficient to determine the role of this variant in disease. Therefore, it has been classified as a Variant of Uncertain Significance.

NM_007078.3(LDB3):c.1341C>G (p.Pro447=)

Gene: LDB3 (LIM domain binding 3; plus strand). Cytogenetic location: 10q23.2.
Variant type: single nucleotide variant.
Coding change: c.1341C>G on transcript NM_007078.3 (MANE Select); coding-DNA position 1341, C replaced by G.
Protein change: p.Pro447=; no amino-acid change (proline 447 retained).
Molecular consequence: synonymous variant.
Genome position (GRCh38, 1-based): chr10:86,716,436, C>G. VCF-style: chr10-86716436-C-G. GRCh37 (hg19) VCF-style: chr10-88476193-C-G.
Other names: c.1152C>G, p.Pro384= (NM_001368065.1, NM_001368064.1); c.1200C>G, p.Pro400= (NM_001368066.1); c.1011C>G, p.Pro337= (NM_001080114.2); c.1356C>G, p.Pro452= (NM_001171610.2).
Identifiers: ClinVar variation 2781244 (VCV002781244.3), dbSNP rs2492808454, ClinGen allele CA470374937.